The following is an entry in ClinVar:

NM_003560.4(PLA2G6):c.397G>A (p.Glu133Lys)

Gene: PLA2G6 (phospholipase A2 group VI; minus strand). Cytogenetic location: 22q13.1.
Variant type: single nucleotide variant.
Coding change: c.397G>A on transcript NM_003560.4 (MANE Select); coding-DNA position 397, G replaced by A.
Protein change: p.Glu133Lys; replaces glutamic acid 133 with lysine.
Molecular consequence: missense variant. On other transcripts: 5 prime UTR variant (3).
Genome position (GRCh38, 1-based): chr22:38,145,466, C>T on the plus strand (G>A on the coding strand, the complement: PLA2G6 is on the minus strand). VCF-style: chr22-38145466-C-T. GRCh37 (hg19) VCF-style: chr22-38541473-C-T.
Other names: c.397G>A, p.Glu133Lys (NM_001004426.3, NM_001199562.3, NM_001349864.2 and 2 more transcripts); c.-138G>A (NM_001349867.2, NM_001349869.2); c.-94G>A (NM_001349868.2); short protein forms E133K.
Identifiers: ClinVar variation 2075013 (VCV002075013.1), dbSNP rs552737662, ClinGen allele CA10231283.
Genomic context (GRCh38, chr22:38,145,466, plus strand): 5'-CGTTGTCCAAATGGTCTTGTTCCCTTGCTCACCTGATGATACGGCTGTGATGGAAGCACT[C>T]GCGGATCCCTAGCTCCACAGCCAGGTGGGCCACTGACCAGCTGGGGTGGTTACGGATGAG-3'
Protein context (NP_003551.2, residues 123-143): AHLAVELGIR[Glu133Lys]CFHHSRIISC

ClinVar aggregate classification (germline): Uncertain significance (1 of 4 stars; one submission).

Conditions:
Infantile neuroaxonal dystrophy (NBIA2A). Also called: NEURODEGENERATION WITH BRAIN IRON ACCUMULATION 2A; SEITELBERGER DISEASE; Infantile neuroaxonal dystrophy 1. Identifiers: Orphanet 35069, MedGen C0270724, MONDO:0024457, OMIM 256600.

Allele frequency attached by ClinVar (database versions not stated): gnomAD exomes 0.00001; ExAC 0.00003; 1000 Genomes Project 0.00020; gnomAD 0.00003; 1000 Genomes Project 30x 0.00016; TOPMed 0.00004.
gnomAD v4.1: 18 of 1,610,494 alleles (0.0011%); highest among the groups gnomAD compares: East Asian, 0.0067%; no homozygotes.

Submission:

Labcorp Genetics (formerly Invitae), Labcorp
Classification: Uncertain significance for Infantile neuroaxonal dystrophy. Last evaluated: 2022-07-05. Review status: criteria provided, single submitter. Criteria: Invitae Variant Classification Sherloc (09022015). Collection method: clinical testing. Allele origin: germline.
Comment: This sequence change replaces glutamic acid, which is acidic and polar, with lysine, which is basic and polar, at codon 133 of the PLA2G6 protein (p.Glu133Lys). This variant is present in population databases (rs552737662, gnomAD 0.01%). This variant has not been reported in the literature in individuals affected with PLA2G6-related conditions. Advanced modeling of protein sequence and biophysical properties (such as structural, functional, and spatial information, amino acid conservation, physicochemical variation, residue mobility, and thermodynamic stability) performed at Invitae indicates that this missense variant is expected to disrupt PLA2G6 protein function. In summary, the available evidence is currently insufficient to determine the role of this variant in disease. Therefore, it has been classified as a Variant of Uncertain Significance.